The following is an entry in ClinVar:

NM_005529.7(HSPG2):c.12704G>A (p.Arg4235Gln)

Genes: HSPG2 (heparan sulfate proteoglycan 2; minus strand), LDLRAD2 (low density lipoprotein receptor class A domain containing 2; plus strand). Cytogenetic location: 1p36.12.
Variant type: single nucleotide variant.
Coding change: c.12704G>A on transcript NM_005529.7 (MANE Select); coding-DNA position 12704, G replaced by A.
Protein change: p.Arg4235Gln; replaces arginine 4235 with glutamine.
Molecular consequence: missense variant. On other transcripts: 3 prime UTR variant (1).
Genome position (GRCh38, 1-based): chr1:21,824,577, C>T on the plus strand (G>A on the coding strand, the complement: HSPG2 is on the minus strand). VCF-style: chr1-21824577-C-T. GRCh37 (hg19) VCF-style: chr1-22151070-C-T.
Other names: c.12704G>A (NM_005529.5); c.12707G>A, p.Arg4236Gln (NM_001291860.2); c.*2362C>T (NM_001013693.3); short protein forms R4235Q, R4236Q.
Identifiers: ClinVar variation 3623908 (VCV003623908.3).

ClinVar aggregate classification (germline): Uncertain significance. Review status: criteria provided, multiple submitters, no conflicts (2 of 4 stars). 2 submissions from 2 submitters: Uncertain significance (2). Last evaluated 2025-04-02.

Conditions:
Inborn genetic diseases. Identifiers: MedGen C0950123, MeSH D030342.

gnomAD v4.1: 40 of 1,613,894 alleles (0.0025%); highest among the groups gnomAD compares: South Asian, 0.0077%; no homozygotes.

Submissions (2):

Ambry Genetics
Classification: Uncertain significance for Inborn genetic diseases. Last evaluated: 2025-04-02. Review status: criteria provided, single submitter. Criteria: Ambry Variant Classification Scheme 2023. Collection method: clinical testing. Allele origin: germline.

Labcorp Genetics (formerly Invitae), Labcorp
Classification: Uncertain significance. Last evaluated: 2024-11-04. Review status: criteria provided, single submitter. Criteria: Invitae Variant Classification Sherloc (09022015). Collection method: clinical testing. Allele origin: germline.
Comment: This sequence change replaces arginine, which is basic and polar, with glutamine, which is neutral and polar, at codon 4235 of the HSPG2 protein (p.Arg4235Gln). This variant is present in population databases (rs780964669, gnomAD 0.006%). This variant has not been reported in the literature in individuals affected with HSPG2-related conditions. An algorithm developed to predict the effect of missense changes on protein structure and function outputs the following: PolyPhen-2: "Benign". The glutamine amino acid residue is found in multiple mammalian species, which suggests that this missense change does not adversely affect protein function. In summary, the available evidence is currently insufficient to determine the role of this variant in disease. Therefore, it has been classified as a Variant of Uncertain Significance.